The following is an entry in ClinVar:

ClinVar aggregate classification (germline): Pathogenic. Review status: criteria provided, single submitter (1 of 4 stars). 2 submissions from 2 submitters: Pathogenic (1). 1 of the submissions does not count toward it. Last evaluated 2023-03-24.

Conditions:
Lamb-Shaffer syndrome. Identifiers: Orphanet 313884, Orphanet 313892, Orphanet 530983, MedGen C4225202, MONDO:0014778, OMIM 616803.

Submissions (2):

GeneDx
Classification: Pathogenic. Last evaluated: 2023-03-24. Review status: criteria provided, single submitter. Criteria: GeneDx Variant Classification Process June 2021. Collection method: clinical testing. Allele origin: germline. Affected: yes.
Comment: Nonsense variant predicted to result in protein truncation or nonsense mediated decay in a gene for which loss of function is a known mechanism of disease; Not observed at significant frequency in large population cohorts (gnomAD); This variant is associated with the following publications: (PMID: 31578471)

Institute for Human Genetics, University Hospital Essen
Classification: Pathogenic for Lamb-Shaffer syndrome. Last evaluated: 2019-08-05. Review status: no assertion criteria provided. Collection method: clinical testing. Allele origin: maternal, de novo. Inheritance: Autosomal dominant inheritance. Affected: yes. Observed: 2 variant alleles. Not counted in ClinVar's aggregate classification.

NM_006940.6(SOX5):c.518G>A (p.Trp173Ter)

Gene: SOX5 (SRY-box transcription factor 5; minus strand). Cytogenetic location: 12p12.1.
Variant type: single nucleotide variant.
Coding change: c.518G>A on transcript NM_006940.6 (MANE Select); coding-DNA position 518, G replaced by A.
Protein change: p.Trp173Ter; replaces tryptophan 173 with a stop codon.
Molecular consequence: nonsense.
Genome position (GRCh38, 1-based): chr12:23,755,688, C>T on the plus strand (G>A on the coding strand, the complement: SOX5 is on the minus strand). VCF-style: chr12-23755688-C-T. GRCh37 (hg19) VCF-style: chr12-23908622-C-T.
Other names: c.479G>A, p.Trp160Ter (NM_001261414.3, NM_152989.5); c.488G>A, p.Trp163Ter (NM_001261415.3); c.413G>A, p.Trp138Ter (NM_001330785.2); c.518G>A (NM_006940.4); short protein forms W163*, W138*, W160*, W173*.
Identifiers: ClinVar variation 695077 (VCV000695077.3), dbSNP rs1594078334, ClinGen allele CA384321088.